The following is an entry in ClinVar:

NM_002645.4(PIK3C2A):c.2196C>A (p.Tyr732Ter)

Gene: PIK3C2A (phosphatidylinositol-4-phosphate 3-kinase catalytic subunit type 2 alpha; minus strand). Cytogenetic location: 11p15.1.
Variant type: single nucleotide variant.
Coding change: c.2196C>A on transcript NM_002645.4 (MANE Select); coding-DNA position 2196, C replaced by A.
Protein change: p.Tyr732Ter; replaces tyrosine 732 with a stop codon.
Molecular consequence: nonsense.
Genome position (GRCh38, 1-based): chr11:17,131,951, G>T on the plus strand (C>A on the coding strand, the complement: PIK3C2A is on the minus strand). VCF-style: chr11-17131951-G-T. GRCh37 (hg19) VCF-style: chr11-17153498-G-T.
Other names: c.2196C>A, p.Tyr732Ter (NM_001321378.2, NM_001386870.1); c.1056C>A, p.Tyr352Ter (NM_001321380.2); short protein forms Y352*, Y732*.
Identifiers: ClinVar variation 3702029 (VCV003702029.2).

ClinVar aggregate classification (germline): Pathogenic (1 of 4 stars; one submission).

gnomAD v4.1: 2 of 1,598,598 alleles (0.00013%); highest among the groups gnomAD compares: African/African-American, 0.0013%; no homozygotes.

Submission:

Labcorp Genetics (formerly Invitae), Labcorp
Classification: Pathogenic. Last evaluated: 2025-07-28. Review status: criteria provided, single submitter. Criteria: Invitae Variant Classification Sherloc (09022015). Collection method: clinical testing. Allele origin: germline.
Comment: This sequence change creates a premature translational stop signal (p.Tyr732*) in the PIK3C2A gene. It is expected to result in an absent or disrupted protein product. Loss-of-function variants in PIK3C2A are known to be pathogenic (PMID: 31034465). This variant is not present in population databases (gnomAD no frequency). This variant has not been reported in the literature in individuals affected with PIK3C2A-related conditions. ClinVar contains an entry for this variant (Variation ID: 3702029). Algorithms developed to predict the effect of sequence changes on RNA splicing suggest that this variant may disrupt the consensus splice site. For these reasons, this variant has been classified as Pathogenic.

Literature cited by the submitters: PubMed 31034465.